The following is an entry in ClinVar:

NM_000059.4(BRCA2):c.3102T>G (p.Ile1034Met)

Gene: BRCA2 (BRCA2 DNA repair associated; plus strand). Cytogenetic location: 13q13.1.
Variant type: single nucleotide variant.
Coding change: c.3102T>G on transcript NM_000059.4 (MANE Select); coding-DNA position 3102, T replaced by G.
Protein change: p.Ile1034Met; replaces isoleucine 1034 with methionine.
Molecular consequence: missense variant. On other transcripts: non-coding transcript variant (1), intron variant (2).
Genome position (GRCh38, 1-based): chr13:32,337,457, T>G. VCF-style: chr13-32337457-T-G. GRCh37 (hg19) VCF-style: chr13-32911594-T-G.
Other names: c.3102T>G, p.Ile1034Met (NM_001406719.1, NM_001406720.1, NM_001432077.1); c.1909+4070T>G (NM_001406721.1); c.424+6427T>G (NM_001406722.1); short protein forms I1034M.
Identifiers: ClinVar variation 3636450 (VCV003636450.2).

ClinVar aggregate classification (germline): Uncertain significance (1 of 4 stars; one submission).

Conditions:
Hereditary breast ovarian cancer syndrome. Also called: Hereditary breast and ovarian cancer syndrome; Hereditary breast and ovarian cancer syndrome (HBOC); BRCA1- and BRCA2-Associated Hereditary Breast and Ovarian Cancer; Hereditary breast and ovarian cancer; Breast and ovarian cancer; Hereditary breast and/or ovarian cancer syndrome. Identifiers: Orphanet 145, MedGen C0677776, MeSH D061325, MONDO:0003582. Disease mechanism: loss of function.

gnomAD v4.1: 2 of 1,612,754 alleles (0.00012%); highest among the groups gnomAD compares: Non-Finnish European, 0.00017%; no homozygotes.

Submission:

Labcorp Genetics (formerly Invitae), Labcorp
Classification: Uncertain significance for Hereditary breast ovarian cancer syndrome. Last evaluated: 2024-03-17. Review status: criteria provided, single submitter. Criteria: Invitae Variant Classification Sherloc (09022015). Collection method: clinical testing. Allele origin: germline.
Comment: This sequence change replaces isoleucine, which is neutral and non-polar, with methionine, which is neutral and non-polar, at codon 1034 of the BRCA2 protein (p.Ile1034Met). This variant is not present in population databases (gnomAD no frequency). This variant has not been reported in the literature in individuals affected with BRCA2-related conditions. Advanced modeling of protein sequence and biophysical properties (such as structural, functional, and spatial information, amino acid conservation, physicochemical variation, residue mobility, and thermodynamic stability) performed at Invitae indicates that this missense variant is not expected to disrupt BRCA2 protein function with a negative predictive value of 95%. In summary, the available evidence is currently insufficient to determine the role of this variant in disease. Therefore, it has been classified as a Variant of Uncertain Significance.